The following is an entry in ClinVar:

ClinVar aggregate classification (germline): Pathogenic (1 of 4 stars; one submission).

Conditions:
Duchenne muscular dystrophy (DMD). Also called: Duchenne Muscular Dystrophy (DMD); MUSCULAR DYSTROPHY, PSEUDOHYPERTROPHIC PROGRESSIVE, DUCHENNE TYPE. Identifiers: Orphanet 98896, MedGen C0013264, MONDO:0010679, OMIM 310200.

Submission:

Labcorp Genetics (formerly Invitae), Labcorp
Classification: Pathogenic for Duchenne muscular dystrophy. Last evaluated: 2022-05-12. Review status: criteria provided, single submitter. Criteria: Invitae Variant Classification Sherloc (09022015). Collection method: clinical testing. Allele origin: germline.
Comment: This variant is a gross deletion of the genomic region encompassing exon(s) 13-41 of the DMD gene. This variant would be expected to be in-frame, preserving the integrity of the reading frame. A similar copy number variant has been observed in individual(s) with Becker muscular dystrophy (PMID: 8543940, 18348289). For these reasons, this variant has been classified as Pathogenic.

Literature cited by the submitters: PubMed 8543940; PubMed 18348289.

NC_000023.10:g.(?_32360197)_(32614013_?)del

Gene: DMD (dystrophin; minus strand). Cytogenetic location: Xp21.1.
Variant type: Deletion.
Identifiers: ClinVar variation 2424889 (VCV002424889.3).